The following is an entry in ClinVar:

NM_004813.4(PEX16):c.830G>A (p.Arg277Gln)

Gene: PEX16 (peroxisomal biogenesis factor 16; minus strand). Cytogenetic location: 11p11.2.
Variant type: single nucleotide variant.
Coding change: c.830G>A on transcript NM_004813.4 (MANE Select); coding-DNA position 830, G replaced by A.
Protein change: p.Arg277Gln; replaces arginine 277 with glutamine.
Molecular consequence: missense variant.
Genome position (GRCh38, 1-based): chr11:45,913,876, C>T on the plus strand (G>A on the coding strand, the complement: PEX16 is on the minus strand). VCF-style: chr11-45913876-C-T. GRCh37 (hg19) VCF-style: chr11-45935427-C-T.
Other names: c.830G>A, p.Arg277Gln (NM_057174.3); short protein forms R277Q.
Identifiers: ClinVar variation 3895924 (VCV003895924.1).

ClinVar aggregate classification (germline): Uncertain significance (1 of 4 stars; one submission).

gnomAD v4.1: 12 of 1,612,574 alleles (0.00074%); highest among the groups gnomAD compares: African/African-American, 0.0013%; no homozygotes.

Submission:

Women's Health and Genetics/Laboratory Corporation of America, LabCorp
Classification: Uncertain significance. Last evaluated: 2025-03-26. Review status: criteria provided, single submitter. Criteria: LabCorp Variant Classification Summary - May 2015. Collection method: clinical testing. Allele origin: germline.
Comment: Variant summary: PEX16 c.830G>A (p.Arg277Gln) results in a conservative amino acid change in the encoded protein sequence. Three of five in-silico tools predict a damaging effect of the variant on protein function. The variant allele was found at a frequency of 8.1e-06 in 246942 control chromosomes (gnomAD). The available data on variant occurrences in the general population are insufficient to allow any conclusion about variant significance. c.830G>A has been reported in the literature in at least an individual affected with PEX16-related conditions (Kumar_2018). These data do not allow any conclusion about variant significance. To our knowledge, no experimental evidence demonstrating an impact on protein function has been reported. The following publication has been ascertained in the context of this evaluation (PMID: 30094183). No submitters have cited clinical-significance assessments for this variant to ClinVar. Based on the evidence outlined above, the variant was classified as uncertain significance.

Literature cited by the submitters: PubMed 30094183.